The following is an entry in ClinVar:

ClinVar aggregate classification (germline): Conflicting classifications of pathogenicity. Review status: criteria provided, conflicting classifications (1 of 4 stars). 3 submissions from 3 submitters: Uncertain significance (2); Likely benign (1). Last evaluated 2026-01-07.

Conditions:
Hereditary cancer-predisposing syndrome. Also called: Hereditary Cancer Syndrome; Neoplastic Syndromes, Hereditary; Hereditary neoplastic syndrome; Tumor predisposition. Identifiers: Orphanet 140162, MedGen C0027672, MeSH D009386, MONDO:0015356.

Allele frequency attached by ClinVar (database versions not stated): gnomAD exomes below 0.00001; gnomAD 0.00002; TOPMed 0.00002.
gnomAD v4.1: 6 of 1,613,458 alleles (0.00037%); highest among the groups gnomAD compares: African/African-American, 0.0013%; no homozygotes.

Submissions (3):

Labcorp Genetics (formerly Invitae), Labcorp
Classification: Uncertain significance. Last evaluated: 2026-01-07. Review status: criteria provided, single submitter. Criteria: Invitae Variant Classification Sherloc (09022015). Collection method: clinical testing. Allele origin: germline.
Comment: This sequence change replaces isoleucine, which is neutral and non-polar, with valine, which is neutral and non-polar, at codon 161 of the CTNNA1 protein (p.Ile161Val). This variant is not present in population databases (gnomAD no frequency). This variant has not been reported in the literature in individuals affected with CTNNA1-related conditions. ClinVar contains an entry for this variant (Variation ID: 846135). Invitae Evidence Modeling of protein sequence and biophysical properties (such as structural, functional, and spatial information, amino acid conservation, physicochemical variation, residue mobility, and thermodynamic stability) indicates that this missense variant is not expected to disrupt CTNNA1 protein function with a negative predictive value of 80%. In summary, the available evidence is currently insufficient to determine the role of this variant in disease. Therefore, it has been classified as a Variant of Uncertain Significance.

Ambry Genetics
Classification: Likely benign for Hereditary cancer-predisposing syndrome. Last evaluated: 2024-09-10. Review status: criteria provided, single submitter. Criteria: Ambry Variant Classification Scheme 2023. Collection method: clinical testing. Allele origin: germline.

Blueprint Genetics
Classification: Uncertain significance. Last evaluated: 2018-06-27. Review status: criteria provided, single submitter. Criteria: ACMG Guidelines, 2015. Collection method: clinical testing. Allele origin: germline.

Literature cited by the submitters: PubMed 32051609 (cited by Ambry Genetics).

NM_001903.5(CTNNA1):c.481A>G (p.Ile161Val)

Gene: CTNNA1 (catenin alpha 1; plus strand). Cytogenetic location: 5q31.2.
Variant type: single nucleotide variant.
Coding change: c.481A>G on transcript NM_001903.5 (MANE Select); coding-DNA position 481, A replaced by G.
Protein change: p.Ile161Val; replaces isoleucine 161 with valine.
Molecular consequence: missense variant.
Genome position (GRCh38, 1-based): chr5:138,812,195, A>G. VCF-style: chr5-138812195-A-G. GRCh37 (hg19) VCF-style: chr5-138147884-A-G.
Other names: c.481A>G, p.Ile161Val (NM_001290307.3, NM_001323982.2, NM_001323983.1 and 3 more transcripts); c.172A>G, p.Ile58Val (NM_001290309.3); c.112A>G, p.Ile38Val (NM_001290310.3); short protein forms I161V, I38V, I58V.
Identifiers: ClinVar variation 846135 (VCV000846135.14), dbSNP rs1292294409, ClinGen allele CA361124909.
Genomic context (GRCh38, chr5:138,812,195, plus strand): 5'-GACCTACATTCAGAATTTTTGGGTTTTGGGGTCTTTCTTATTTTATAGGTGGAAGATGGT[A>G]TCTTGAAGTTGAGGAATGCTGGCAATGAACAAGACTTAGGAATCCAGTATAAAGCCCTAA-3'
Protein context (NP_001894.2, residues 151-171): LVQLKVVEDG[Ile161Val]LKLRNAGNEQ